The following is an entry in ClinVar:

NM_002485.5(NBN):c.1190C>T (p.Ser397Leu)

Gene: NBN (nibrin; minus strand). Cytogenetic location: 8q21.3.
Variant type: single nucleotide variant.
Coding change: c.1190C>T on transcript NM_002485.5 (MANE Select); coding-DNA position 1190, C replaced by T.
Protein change: p.Ser397Leu; replaces serine 397 with leucine.
Molecular consequence: missense variant.
Genome position (GRCh38, 1-based): chr8:89,955,490, G>A on the plus strand (C>T on the coding strand, the complement: NBN is on the minus strand). VCF-style: chr8-89955490-G-A. GRCh37 (hg19) VCF-style: chr8-90967718-G-A.
Other names: c.944C>T, p.Ser315Leu (NM_001024688.3); short protein forms S397L, S315L.
Identifiers: ClinVar variation 481847 (VCV000481847.11), dbSNP rs1554559308, ClinGen allele CA371656390.

ClinVar aggregate classification (germline): Uncertain significance. Review status: criteria provided, multiple submitters, no conflicts (2 of 4 stars). 2 submissions from 2 submitters: Uncertain significance (2). Last evaluated 2025-08-23.

Conditions:
Hereditary cancer-predisposing syndrome. Also called: Hereditary neoplastic syndrome; Neoplastic Syndromes, Hereditary; Tumor predisposition; Hereditary Cancer Syndrome. Identifiers: Orphanet 140162, MedGen C0027672, MeSH D009386, MONDO:0015356.
Microcephaly, normal intelligence and immunodeficiency (NBS). Also called: IMMUNODEFICIENCY, MICROCEPHALY, AND CHROMOSOMAL INSTABILITY; SEEMANOVA SYNDROME II; Nijmegen breakage syndrome; Microcephaly with normal intelligence immunodeficiency and lymphoreticular malignancies; Nonsyndromal microcephaly autosomal recessive with normal intelligence; Seemanova syndrome 2. Identifiers: Orphanet 647, MedGen C0398791, MONDO:0009623, OMIM 251260.

Submissions (2):

Ambry Genetics
Classification: Uncertain significance for Hereditary cancer-predisposing syndrome. Last evaluated: 2025-08-23. Review status: criteria provided, single submitter. Criteria: Ambry Variant Classification Scheme 2023. Collection method: clinical testing. Allele origin: germline.
Comment: The p.S397L variant (also known as c.1190C>T), located in coding exon 10 of the NBN gene, results from a C to T substitution at nucleotide position 1190. The serine at codon 397 is replaced by leucine, an amino acid with dissimilar properties. This amino acid position is well conserved in available vertebrate species. In addition, this alteration is predicted to be tolerated by in silico analysis. Since supporting evidence is limited at this time, the clinical significance of this alteration remains unclear.

Labcorp Genetics (formerly Invitae), Labcorp
Classification: Uncertain significance for Microcephaly, normal intelligence and immunodeficiency. Last evaluated: 2022-03-07. Review status: criteria provided, single submitter. Criteria: Invitae Variant Classification Sherloc (09022015). Collection method: clinical testing. Allele origin: germline.
Comment: This variant has not been reported in the literature in individuals affected with NBN-related conditions. In summary, the available evidence is currently insufficient to determine the role of this variant in disease. Therefore, it has been classified as a Variant of Uncertain Significance. Algorithms developed to predict the effect of missense changes on protein structure and function (SIFT, PolyPhen-2, Align-GVGD) all suggest that this variant is likely to be tolerated. ClinVar contains an entry for this variant (Variation ID: 481847). This variant is not present in population databases (gnomAD no frequency). This sequence change replaces serine, which is neutral and polar, with leucine, which is neutral and non-polar, at codon 397 of the NBN protein (p.Ser397Leu).